The following is an entry in ClinVar:

NM_000089.4(COL1A2):c.1809del (p.Gly604fs)

Gene: COL1A2 (collagen type I alpha 2 chain; plus strand). Cytogenetic location: 7q21.3.
Variant type: Deletion.
Coding change: c.1809del on transcript NM_000089.4 (MANE Select); coding-DNA position 1809, one base deleted (T; older notation c.1809delT).
Protein change: p.Gly604fs; shifts the reading frame from glycine 604.
Molecular consequence: frameshift variant.
Genome position (GRCh38, 1-based): chr7:94,416,449, T deleted. VCF-style (leftmost placement, unchanged base first): chr7-94416448-CT-C. GRCh37 (hg19) VCF-style: chr7-94045760-CT-C.
Other names: short protein forms G604fs.
Identifiers: ClinVar variation 1451851 (VCV001451851.6), dbSNP rs1321582299, ClinGen allele CA576322809.

ClinVar aggregate classification (germline): Pathogenic (1 of 4 stars; one submission).

Conditions:
Ehlers-Danlos syndrome, classic type, 1 (EDSCL1). Also called: EHLERS-DANLOS SYNDROME, GRAVIS TYPE; EHLERS-DANLOS SYNDROME, SEVERE CLASSIC TYPE; Ehlers-Danlos syndrome, type 1; Ehlers-Danlos Syndrome, Classic Type, COL5A1-Related; EDS I. Identifiers: MedGen C0268335, MONDO:0019567, OMIM 130000.
Osteogenesis imperfecta type I (OI1). Also called: OI, TYPE I; OSTEOGENESIS IMPERFECTA TARDA; OSTEOGENESIS IMPERFECTA WITH BLUE SCLERAE; Osteogenesis imperfecta type 1; Lobstein's Disease; Lobstein disease. Identifiers: Orphanet 216796, Orphanet 666, MedGen C0023931, MONDO:0008146, OMIM 166200. Disease mechanism: loss of function.

Allele frequency attached by ClinVar (database versions not stated): gnomAD exomes below 0.00001.

Submission:

Labcorp Genetics (formerly Invitae), Labcorp
Classification: Pathogenic for Osteogenesis imperfecta type I; Ehlers-Danlos syndrome, classic type, 1. Last evaluated: 2021-03-24. Review status: criteria provided, single submitter. Criteria: Invitae Variant Classification Sherloc (09022015). Collection method: clinical testing. Allele origin: germline.
Comment: This sequence change creates a premature translational stop signal (p.Gly604Valfs*78) in the COL1A2 gene. It is expected to result in an absent or disrupted protein product. Loss-of-function variants in COL1A2 are known to be pathogenic (PMID: 11288717, 15077201). This variant is not present in population databases (ExAC no frequency). This variant has not been reported in the literature in individuals with COL1A2-related conditions. For these reasons, this variant has been classified as Pathogenic.

Literature cited by the submitters: PubMed 11288717; PubMed 15077201.